The following is an entry in ClinVar:

ClinVar aggregate classification (germline): Uncertain significance (1 of 4 stars; one submission).

Conditions:
Inborn genetic diseases. Identifiers: MedGen C0950123, MeSH D030342.

Allele frequency attached by ClinVar (database versions not stated): TOPMed 0.00001; gnomAD 0.00001; gnomAD exomes 0.00001 and below 0.00001.
gnomAD v4.1: 10 of 1,614,070 alleles (0.00062%); highest among the groups gnomAD compares: African/African-American, 0.0013%; no homozygotes.

Submission:

Ambry Genetics
Classification: Uncertain significance for Hereditary disease. Last evaluated: 2017-07-05. Review status: criteria provided, single submitter. Criteria: ambry_reporting_categories_2017. Collection method: clinical testing. Allele origin: germline. Affected: yes. Observed: 1 heterozygote. Segregation with disease observed.
Comment: Lines of evidence used in support of classification: UNCERTAIN: Alteration(s) of Uncertain Clinical Significance Detected

Literature cited by the submitters: PubMed 26153216; PubMed 22294689; PubMed 27003583; PubMed 23020937.

NM_006734.4(HIVEP2):c.4550C>T (p.Ser1517Leu)

Gene: HIVEP2 (HIVEP zinc finger 2; minus strand). Cytogenetic location: 6q24.2.
Variant type: single nucleotide variant.
Coding change: c.4550C>T on transcript NM_006734.4 (MANE Select); coding-DNA position 4550, C replaced by T.
Protein change: p.Ser1517Leu; replaces serine 1517 with leucine.
Molecular consequence: missense variant.
Genome position (GRCh38, 1-based): chr6:142,770,189, G>A on the plus strand (C>T on the coding strand, the complement: HIVEP2 is on the minus strand). VCF-style: chr6-142770189-G-A. GRCh37 (hg19) VCF-style: chr6-143091326-G-A.
Other names: short protein forms S1517L.
Identifiers: ClinVar variation 521919 (VCV000521919.3), dbSNP rs1004404974, ClinGen allele CA149014817.